The following is an entry in ClinVar:

NM_000179.3(MSH6):c.3093C>T (p.Asp1031=)

Gene: MSH6 (mutS homolog 6; plus strand). Cytogenetic location: 2p16.3.
Variant type: single nucleotide variant.
Coding change: c.3093C>T on transcript NM_000179.3 (MANE Select); coding-DNA position 3093, C replaced by T.
Protein change: p.Asp1031=; no amino-acid change (aspartic acid 1031 retained).
Molecular consequence: synonymous variant.
Genome position (GRCh38, 1-based): chr2:47,801,076, C>T. VCF-style: chr2-47801076-C-T. GRCh37 (hg19) VCF-style: chr2-48028215-C-T.
Other names: c.2703C>T, p.Asp901= (NM_001281492.2); c.2187C>T, p.Asp729= (NM_001281493.2, NM_001281494.2).
Identifiers: ClinVar variation 822850 (VCV000822850.9), dbSNP rs1177250625, ClinGen allele CA426121842.
Genomic context (GRCh38, chr2:47,801,076, plus strand): 5'-TGAAAAGAAGTTGGCTAATCTCATAAATGCTGAAGAACGGAGGGATGTATCATTGAAGGA[C>T]TGCATGCGGCGACTGTTCTATAACTTTGATAAAAATTACAAGGACTGGCAGTCTGCTGTA-3'
Protein context (NP_000170.1, residues 1021-1041): AEERRDVSLK[Asp1031=]CMRRLFYNFD

ClinVar aggregate classification (germline): Benign/Likely benign. Review status: criteria provided, multiple submitters, no conflicts (2 of 4 stars). 4 submissions from 4 submitters: Benign (1); Likely benign (3). Last evaluated 2025-01-03.

Conditions:
Hereditary nonpolyposis colorectal neoplasms. Identifiers: MedGen C0009405, MeSH D003123.
Hereditary cancer-predisposing syndrome. Also called: Tumor predisposition; Hereditary Cancer Syndrome; Neoplastic Syndromes, Hereditary; Hereditary neoplastic syndrome. Identifiers: Orphanet 140162, MedGen C0027672, MeSH D009386, MONDO:0015356.
Lynch syndrome 5 (LYNCH5). Also called: Colorectal cancer, hereditary nonpolyposis, type 5; Hereditary non-polyposis colorectal cancer, type 5. Identifiers: Orphanet 144, MedGen C1833477, MONDO:0013710, OMIM 614350. Disease mechanism: loss of function.

gnomAD v4.1: 2 of 1,609,812 alleles (0.00012%); highest among the groups gnomAD compares: East Asian, 0.0022%; no homozygotes.

Submissions (4):

Myriad Genetics, Inc.
Classification: Benign for Lynch syndrome 5. Last evaluated: 2025-01-03. Review status: criteria provided, single submitter. Criteria: Myriad Autosomal Dominant, Autosomal Recessive and X-Linked Classification Criteria (2023). Collection method: clinical testing. Allele origin: unknown.
Comment: This variant is considered benign. This variant is a silent/synonymous amino acid change and it is not expected to impact splicing.

Institute for Biomarker Research, Medical Diagnostic Laboratories, L.L.C.
Classification: Likely benign for Hereditary cancer-predisposing syndrome. Last evaluated: 2024-04-16. Review status: criteria provided, single submitter. Criteria: ACMG Guidelines, 2015. Collection method: clinical testing. Allele origin: germline.

Labcorp Genetics (formerly Invitae), Labcorp
Classification: Likely benign for Hereditary nonpolyposis colorectal neoplasms. Last evaluated: 2022-12-28. Review status: criteria provided, single submitter. Criteria: Invitae Variant Classification Sherloc (09022015). Collection method: clinical testing. Allele origin: germline.

Ambry Genetics
Classification: Likely benign for Hereditary cancer-predisposing syndrome. Last evaluated: 2017-10-12. Review status: criteria provided, single submitter. Criteria: Ambry Variant Classification Scheme 2023. Collection method: clinical testing. Allele origin: germline.